The following is an entry in ClinVar:

NM_024422.6(DSC2):c.2705G>T (p.Ter902Leu)

Gene: DSC2 (desmocollin 2; minus strand). Cytogenetic location: 18q12.1.
Variant type: single nucleotide variant.
Coding change: c.2705G>T on transcript NM_024422.6 (MANE Select); coding-DNA position 2705, G replaced by T.
Protein change: p.Ter902Leu.
Molecular consequence: stop lost. On other transcripts: 3 prime UTR variant (1).
Genome position (GRCh38, 1-based): chr18:31,068,016, C>A on the plus strand (G>T on the coding strand, the complement: DSC2 is on the minus strand). VCF-style: chr18-31068016-C-A. GRCh37 (hg19) VCF-style: chr18-28647982-C-A.
Other names: *902L; c.*207G>T (NM_004949.5).
Identifiers: ClinVar variation 919658 (VCV000919658.10), dbSNP rs1986683368, ClinGen allele CA402109883.
Genomic context (GRCh38, chr18:31,068,016, plus strand): 5'-TTGTAATTTTTTTTAAAAGTCATAAAGCCACTGGCTTTCAGAGACTTATTAGAACACACT[C>A]ATCTCTTCATGCATGCTTCTGCTAGTGTCCTAAATTTGGGCTCCAAATTATCCAAAAATT-3'

ClinVar aggregate classification (germline): Uncertain significance. Review status: criteria provided, multiple submitters, no conflicts (2 of 4 stars). 3 submissions from 3 submitters: Uncertain significance (3). Last evaluated 2023-04-23.

Conditions:
Arrhythmogenic right ventricular dysplasia 11. Also called: ARRHYTHMOGENIC RIGHT VENTRICULAR DYSPLASIA, FAMILIAL, 11; Arrhythmogenic Right Ventricular Dysplasia/Cardiomyopathy11; Arrhythmogenic right ventricular dysplasia 11 with mild palmoplantar keratoderma and woolly hair. Identifiers: MedGen C1864850, MONDO:0012506, OMIM 610476.
Cardiomyopathy (CMYO). Also called: Cardiomyopathies. Identifiers: Orphanet 167848, MedGen C0878544, MONDO:0004994, HP:0001638. Inheritance: Various modes of inheritance.

gnomAD v4.1: 1 of 1,613,682 alleles (0.000062%); highest among the groups gnomAD compares: Middle Eastern, 0.017%; no homozygotes.

Submissions (3):

Labcorp Genetics (formerly Invitae), Labcorp
Classification: Uncertain significance for Arrhythmogenic right ventricular dysplasia 11. Last evaluated: 2023-04-23. Review status: criteria provided, single submitter. Criteria: Invitae Variant Classification Sherloc (09022015). Collection method: clinical testing. Allele origin: germline.
Comment: Experimental studies and prediction algorithms are not available or were not evaluated, and the functional significance of this variant is currently unknown. In summary, the available evidence is currently insufficient to determine the role of this variant in disease. Therefore, it has been classified as a Variant of Uncertain Significance. ClinVar contains an entry for this variant (Variation ID: 919658). This variant has not been reported in the literature in individuals affected with DSC2-related conditions. This variant is not present in population databases (gnomAD no frequency). This sequence change disrupts the translational stop signal of the DSC2 mRNA. It is expected to extend the length of the DSC2 protein by 25 additional amino acid residues.

GeneDx
Classification: Uncertain significance. Last evaluated: 2023-01-26. Review status: criteria provided, single submitter. Criteria: GeneDx Variant Classification Process June 2021. Collection method: clinical testing. Allele origin: germline. Affected: yes.
Comment: Not observed at significant frequency in large population cohorts (gnomAD); Normal stop codon changed to a Leu codon, leading to the addition of 25 amino acids at the C-terminus; Has not been previously published as pathogenic or benign to our knowledge

Color Diagnostics, LLC DBA Color Health
Classification: Uncertain significance for Cardiomyopathy. Last evaluated: 2018-12-14. Review status: criteria provided, single submitter. Criteria: ACMG Guidelines, 2015. Collection method: clinical testing. Allele origin: germline.
Comment: Variant of Uncertain Significance due to insufficient evidence: This variant replaces the translation stop codon of the DSC2 gene with leucine and adds 25 new amino acids before introducing a translation stop codon. To our knowledge, functional assays have not been performed for this variant nor has this variant been reported in individuals affected with cardiovascular disorders in the literature. This variant is rare in the general population and has been identified in 0/277264 chromosomes by the Genome Aggregation Database (gnomAD). Available evidence is insufficient to determine the pathogenicity of this variant conclusively.